The following is an entry in ClinVar:

Single allele

Genes: ATMIN (ATM interactor; plus strand), C16orf46 (chromosome 16 open reading frame 46; minus strand), CDYL2 (chromodomain Y like 2; minus strand), CENPN (centromere protein N; plus strand), CMC2 (C-X9-C motif containing 2; minus strand) and 3 more. Cytogenetic location: 16q23.2.
Variant type: Duplication.
Identifiers: ClinVar variation 560156 (VCV000560156.3).

ClinVar aggregate classification (germline): Uncertain significance (1 of 4 stars; one submission).

Submission:

Geisinger Autism and Developmental Medicine Institute, Geisinger Health System
Classification: Uncertain significance. Last evaluated: 2018-04-16. Review status: criteria provided, single submitter. Criteria: ACMG CNV Guidelines, 2011. Collection method: provider interpretation. Allele origin: unknown.
Comment: Parental testing was not completed. This duplication contains seven genes, including GCSH, and a portion of an eighth gene. The clinical significance of three copies of these genes remains unclear at this time.